The following is an entry in ClinVar:

NM_024675.4(PALB2):c.3463T>A (p.Ser1155Thr)

Gene: PALB2 (partner and localizer of BRCA2; minus strand). Cytogenetic location: 16p12.2.
Variant type: single nucleotide variant.
Coding change: c.3463T>A on transcript NM_024675.4 (MANE Select); coding-DNA position 3463, T replaced by A.
Protein change: p.Ser1155Thr; replaces serine 1155 with threonine.
Molecular consequence: missense variant.
Genome position (GRCh38, 1-based): chr16:23,603,557, A>T on the plus strand (T>A on the coding strand, the complement: PALB2 is on the minus strand). VCF-style: chr16-23603557-A-T. GRCh37 (hg19) VCF-style: chr16-23614878-A-T.
Other names: c.3403T>A, p.Ser1135Thr (NM_001407296.1); c.3391T>A, p.Ser1131Thr (NM_001407297.1); c.3301T>A, p.Ser1101Thr (NM_001407298.1); c.3226T>A, p.Ser1076Thr (NM_001407299.1); c.3184T>A, p.Ser1062Thr (NM_001407300.1); c.*98T>A (NM_001407301.1, NM_001407302.1, NM_001407310.1 and 2 more transcripts); c.2578T>A, p.Ser860Thr (NM_001407304.1, NM_001407305.1, NM_001407306.1); c.2416T>A, p.Ser806Thr (NM_001407307.1); and 3 more; short protein forms S1155T, S1062T, S1135T, S333T, S559T, S1076T, S1131T, S1101T.
Identifiers: ClinVar variation 2001602 (VCV002001602.4), dbSNP rs1555457858, ClinGen allele CA395138056.

ClinVar aggregate classification (germline): Uncertain significance (1 of 4 stars; one submission).

Conditions:
Familial cancer of breast. Also called: hereditary breast carcinoma; Hereditary breast cancer; BREAST CANCER, FAMILIAL. Identifiers: Orphanet 227535, MedGen C0346153, MONDO:0016419, OMIM 114480. Disease mechanism: loss of function.

Submission:

Labcorp Genetics (formerly Invitae), Labcorp
Classification: Uncertain significance for Familial cancer of breast. Last evaluated: 2022-06-01. Review status: criteria provided, single submitter. Criteria: Invitae Variant Classification Sherloc (09022015). Collection method: clinical testing. Allele origin: germline.
Comment: In summary, the available evidence is currently insufficient to determine the role of this variant in disease. Therefore, it has been classified as a Variant of Uncertain Significance. This sequence change replaces serine, which is neutral and polar, with threonine, which is neutral and polar, at codon 1155 of the PALB2 protein (p.Ser1155Thr). This variant is not present in population databases (gnomAD no frequency). This variant has not been reported in the literature in individuals affected with PALB2-related conditions. Algorithms developed to predict the effect of missense changes on protein structure and function are either unavailable or do not agree on the potential impact of this missense change (SIFT: "Tolerated"; PolyPhen-2: "Possibly Damaging"; Align-GVGD: "Class C0").